The following is an entry in ClinVar:

ClinVar aggregate classification (germline): Benign/Likely benign. Review status: criteria provided, multiple submitters, no conflicts (2 of 4 stars). 4 submissions from 4 submitters: Benign (3); Likely benign (1). Last evaluated 2026-04-01.

Allele frequency attached by ClinVar (database versions not stated): ESP Exome Variant Server 0.00008; 1000 Genomes Project 30x 0.00016; TOPMed 0.00017; 1000 Genomes Project 0.00020; gnomAD 0.00069 and 0.00076.
gnomAD v4.1: 660 of 1,614,020 alleles (0.041%); highest among the groups gnomAD compares: African/African-American, 0.04%; 2 homozygotes.

Submissions (4):

CeGaT Center for Human Genetics Tuebingen
Classification: Benign. Last evaluated: 2026-04-01. Review status: criteria provided, single submitter. Criteria: CeGaT Center For Human Genetics Tuebingen Variant Classification Criteria Version 2. Collection method: clinical testing. Allele origin: germline. Affected: yes. Observed: 1 variant allele.
Comment: DVL3: BS1, BS2

Labcorp Genetics (formerly Invitae), Labcorp
Classification: Benign. Last evaluated: 2025-12-15. Review status: criteria provided, single submitter. Criteria: Invitae Variant Classification Sherloc (09022015). Collection method: clinical testing. Allele origin: germline.

Blueprint Genetics
Classification: Likely benign. Last evaluated: 2024-06-19. Review status: criteria provided, single submitter. Criteria: ACMG Guidelines, 2015. Collection method: clinical testing. Allele origin: germline.

Breakthrough Genomics
Classification: Benign. Review status: criteria provided, single submitter. Criteria: ACMG Guidelines, 2015. Collection method: not provided. Allele origin: germline. Inheritance: Autosomal dominant inheritance. Affected: yes.

NM_004423.4(DVL3):c.746C>T (p.Thr249Met)

Gene: DVL3 (dishevelled segment polarity protein 3; plus strand). Cytogenetic location: 3q27.1.
Variant type: single nucleotide variant.
Coding change: c.746C>T on transcript NM_004423.4 (MANE Select); coding-DNA position 746, C replaced by T.
Protein change: p.Thr249Met; replaces threonine 249 with methionine.
Molecular consequence: missense variant.
Genome position (GRCh38, 1-based): chr3:184,165,474, C>T. VCF-style: chr3-184165474-C-T. GRCh37 (hg19) VCF-style: chr3-183883262-C-T.
Other names: short protein forms T249M.
Identifiers: ClinVar variation 762737 (VCV000762737.12), dbSNP rs200137383, ClinGen allele CA2727223.